The following is an entry in ClinVar:

ClinVar aggregate classification (germline): Likely pathogenic (1 of 4 stars; one submission).

Submission:

Labcorp Genetics (formerly Invitae), Labcorp
Classification: Likely pathogenic. Last evaluated: 2023-10-06. Review status: criteria provided, single submitter. Criteria: Invitae Variant Classification Sherloc (09022015). Collection method: clinical testing. Allele origin: germline.
Comment: This sequence change affects a donor splice site in intron 1 of the SLC12A6 gene. It is expected to disrupt RNA splicing. Variants that disrupt the donor or acceptor splice site typically lead to a loss of protein function (PMID: 16199547), and loss-of-function variants in SLC12A6 are known to be pathogenic (PMID: 12368912, 16606917). This variant is not present in population databases (gnomAD no frequency). This variant has not been reported in the literature in individuals affected with SLC12A6-related conditions. ClinVar contains an entry for this variant (Variation ID: 834852). Algorithms developed to predict the effect of sequence changes on RNA splicing suggest that this variant may disrupt the consensus splice site. In summary, the currently available evidence indicates that the variant is pathogenic, but additional data are needed to prove that conclusively. Therefore, this variant has been classified as Likely Pathogenic.

Literature cited by the submitters: PubMed 16199547; PubMed 12368912; PubMed 16606917.

NM_001365088.1(SLC12A6):c.271+2T>G

Gene: SLC12A6 (solute carrier family 12 member 6; minus strand). Cytogenetic location: 15q14.
Variant type: single nucleotide variant.
Coding change: c.271+2T>G on transcript NM_001365088.1 (MANE Select); the canonical splice donor site of the intron after coding-DNA position 271, T replaced by G.
Molecular consequence: splice donor variant.
Genome position (GRCh38, 1-based): chr15:34,336,408, A>C on the plus strand (T>G on the coding strand, the complement: SLC12A6 is on the minus strand). VCF-style: chr15-34336408-A-C. GRCh37 (hg19) VCF-style: chr15-34628609-A-C.
Other names: c.94+2T>G (NM_001042495.2, NM_001042494.2); c.244+2T>G (NM_001042496.2); c.271+2T>G (NM_001042497.2, NM_133647.2).
Identifiers: ClinVar variation 834852 (VCV000834852.8), dbSNP rs1890198564, ClinGen allele CA391621339.